The following is an entry in ClinVar:

NM_032383.5(HPS3):c.851_852del (p.Arg284fs)

Gene: HPS3 (HPS3 biogenesis of lysosomal organelles complex 2 subunit 1; plus strand). Cytogenetic location: 3q24.
Variant type: Deletion.
Coding change: c.851_852del on transcript NM_032383.5 (MANE Select); coding-DNA positions 851 to 852, 2 bases deleted (GA; older notation c.851_852delGA).
Protein change: p.Arg284fs; shifts the reading frame from arginine 284.
Molecular consequence: frameshift variant.
Genome position (GRCh38, 1-based): chr3:149,141,155-149,141,156, GA deleted; deleting any 2 consecutive bases within chr3:149,141,154-149,141,156 gives the same sequence; the c. name uses the placement nearest the transcript's 3' end. VCF-style (leftmost placement, unchanged base first): chr3-149141153-AAG-A. GRCh37 (hg19) VCF-style: chr3-148858940-AAG-A.
Other names: c.356_357del, p.Arg119fs (NM_001308258.2); short protein forms R284fs, R119fs.
Identifiers: ClinVar variation 664198 (VCV000664198.13), dbSNP rs750685598, ClinGen allele CA2659891.

ClinVar aggregate classification (germline): Pathogenic. Review status: criteria provided, multiple submitters, no conflicts (2 of 4 stars). 6 submissions from 6 submitters: Pathogenic (6). Last evaluated 2025-10-01.

Conditions:
Hermansky-Pudlak syndrome (HPS). Also called: ALBINISM WITH HEMORRHAGIC DIATHESIS AND PIGMENTED RETICULOENDOTHELIAL CELLS. Identifiers: Orphanet 79430, MedGen C0079504, MONDO:0019312.
Hermansky-Pudlak syndrome 3 (HPS3). Identifiers: Orphanet 231512, Orphanet 79430, MedGen C3888001, MONDO:0013555, OMIM 614072.
HPS3-related disorder. Also called: HPS3-related condition.

Submissions (6):

Labcorp Genetics (formerly Invitae), Labcorp
Classification: Pathogenic. Last evaluated: 2025-10-01. Review status: criteria provided, single submitter. Criteria: Invitae Variant Classification Sherloc (09022015). Collection method: clinical testing. Allele origin: germline.
Comment: This sequence change creates a premature translational stop signal (p.Arg284Lysfs*11) in the HPS3 gene. It is expected to result in an absent or disrupted protein product. Loss-of-function variants in HPS3 are known to be pathogenic (PMID: 11590544). This variant is present in population databases (rs750685598, gnomAD 0.005%). This premature translational stop signal has been observed in individual(s) with Hermansky-Pudlak syndrome (PMID: 31898847). ClinVar contains an entry for this variant (Variation ID: 664198). For these reasons, this variant has been classified as Pathogenic.

Natera, Inc.
Classification: Pathogenic for Hermansky-Pudlak syndrome. Last evaluated: 2024-11-18. Review status: criteria provided, single submitter. Criteria: Natera Variant Classification Schema (03/2026). Collection method: clinical testing. Allele origin: germline.
Comment: The c.851_852delGA variant in HPS3 is a frameshift variant predicted to shift the reading frame beginning at codon 284 and leads to a stop codon 11 codons downstream. This variant is expected to result in nonsense mediated decay, truncation, or a dysfunctional protein product. This variant is rare in the general population with a frequency below the threshold expected for the associated phenotype(s). This variant has been observed in one or more individuals affected with the associated recessive disease, as either homozygous or compound heterozygous with a second variant (PMID: 31898847). Given the available evidence, this variant is classified as Pathogenic.

Myriad Genetics, Inc.
Classification: Pathogenic for Hermansky-Pudlak syndrome 3. Last evaluated: 2024-05-14. Review status: criteria provided, single submitter. Criteria: Myriad Autosomal Dominant, Autosomal Recessive and X-Linked Classification Criteria (2023). Collection method: clinical testing. Allele origin: unknown.
Comment: NM_032383.3(HPS3):c.851_852delGA(R284Kfs*11) is expected to be pathogenic in the context of Hermansky-Pudlak syndrome, HPS3-related. This variant is predicted to lead to an abnormal or absent protein product due to the creation of a premature termination codon in HPS3, a gene where loss-of-function variants are known to be pathogenic. Please note: this variant was assessed in the context of healthy population screening.

Fulgent Genetics
Classification: Pathogenic for Hermansky-Pudlak syndrome 3. Last evaluated: 2024-05-10. Review status: criteria provided, single submitter. Criteria: ACMG Guidelines, 2015. Collection method: clinical testing. Allele origin: germline.

Baylor Genetics
Classification: Pathogenic for Hermansky-Pudlak syndrome 3. Last evaluated: 2024-03-26. Review status: criteria provided, single submitter. Criteria: ACMG Guidelines, 2015. Collection method: clinical testing. Allele origin: unknown.

PreventionGenetics, part of Exact Sciences
Classification: Pathogenic for HPS3-related condition. Last evaluated: 2022-12-10. Review status: criteria provided, single submitter. Criteria: ACMG Guidelines, 2015. Collection method: clinical testing. Allele origin: germline.
Comment: The HPS3 c.851_852delGA variant is predicted to result in a frameshift and premature protein termination (p.Arg284Lysfs*11). This variant was reported in an individual with Hermansky-Pudlak syndrome (Huizing et al. 2020. PubMed ID: 31898847). This variant is reported in 0.0050% of alleles in individuals of East Asian descent in gnomAD. Frameshift variants in HPS3 are expected to be pathogenic. This variant is interpreted as pathogenic.

Literature cited by the submitters: PubMed 11590544 (cited by Labcorp Genetics (formerly Invitae), Labcorp); PubMed 31898847 (cited by Labcorp Genetics (formerly Invitae), Labcorp and Natera, Inc.).